The following is an entry in ClinVar:

ClinVar aggregate classification (germline): Benign (1 of 4 stars; one submission).

Allele frequency attached by ClinVar (database versions not stated): 1000 Genomes Project 0.05531; TOPMed 0.05637; gnomAD 0.04708; 1000 Genomes Project 30x 0.05762.

Submission:

GeneDx
Classification: Benign. Last evaluated: 2018-06-19. Review status: criteria provided, single submitter. Criteria: GeneDx Variant Classification (06012015). Collection method: clinical testing. Allele origin: germline. Affected: yes.
Comment: This variant is considered likely benign or benign based on one or more of the following criteria: it is a conservative change, it occurs at a poorly conserved position in the protein, it is predicted to be benign by multiple in silico algorithms, and/or has population frequency not consistent with disease.

NM_003073.3(SMARCB1):c.-485G>A

Gene: SMARCB1 (SWI/SNF related BAF chromatin remodeling complex subunit B1; plus strand). Cytogenetic location: 22q11.23.
Variant type: single nucleotide variant.
Coding change: c.-485G>A on transcript NM_003073.3; 485 bases upstream of the start codon, G replaced by A.
Genome position (GRCh38, 1-based): chr22:23,786,685, G>A. VCF-style: chr22-23786685-G-A. GRCh37 (hg19) VCF-style: chr22-24128872-G-A.
Identifiers: ClinVar variation 674080 (VCV000674080.3), dbSNP rs6003879, ClinGen allele CA322592116.